The following is an entry in ClinVar:

NM_001127208.3(TET2):c.5412dup (p.Asn1805Ter)

Genes: TET2 (tet methylcytosine dioxygenase 2; plus strand), TET2-AS1 (TET2 antisense RNA 1; minus strand). Cytogenetic location: 4q24.
Variant type: Duplication.
Coding change: c.5412dup on transcript NM_001127208.3 (MANE Select); coding-DNA position 5412, one base duplicated (T; older notation c.5412dupT).
Protein change: p.Asn1805Ter; replaces asparagine 1805 with a stop codon.
Molecular consequence: nonsense.
Genome position (GRCh38, 1-based): chr4:105,275,922, T duplicated; the last of 2 consecutive T bases (chr4:105,275,921-105,275,922); duplicating either gives the same sequence. VCF-style (leftmost placement, unchanged base first): chr4-105275920-C-CT. GRCh37 (hg19) VCF-style: chr4-106197077-C-CT.
Other names: short protein forms N1805*.
Identifiers: ClinVar variation 2709044 (VCV002709044.3), dbSNP rs2476752196, ClinGen allele CA645518579.

ClinVar aggregate classification (germline): Uncertain significance (1 of 4 stars; one submission).

Submission:

Labcorp Genetics (formerly Invitae), Labcorp
Classification: Uncertain significance. Last evaluated: 2024-01-11. Review status: criteria provided, single submitter. Criteria: Invitae Variant Classification Sherloc (09022015). Collection method: clinical testing. Allele origin: germline.
Comment: This sequence change creates a premature translational stop signal (p.Asn1805*) in the TET2 gene. While this is not anticipated to result in nonsense mediated decay, it is expected to disrupt the last 198 amino acid(s) of the TET2 protein. This variant is not present in population databases (gnomAD no frequency). This variant has not been reported in the literature in individuals affected with TET2-related conditions. Experimental studies and prediction algorithms are not available or were not evaluated, and the functional significance of this variant is currently unknown. In summary, the available evidence is currently insufficient to determine the role of this variant in disease. Therefore, it has been classified as a Variant of Uncertain Significance.